The following is an entry in ClinVar:

NM_000368.5(TSC1):c.11A>C (p.Gln4Pro)

Gene: TSC1 (TSC complex subunit 1; minus strand). Cytogenetic location: 9q34.13.
Variant type: single nucleotide variant.
Coding change: c.11A>C on transcript NM_000368.5 (MANE Select); coding-DNA position 11, A replaced by C.
Protein change: p.Gln4Pro; replaces glutamine 4 with proline.
Molecular consequence: missense variant. On other transcripts: 5 prime UTR variant (16), non-coding transcript variant (5), intron variant (2).
Genome position (GRCh38, 1-based): chr9:132,928,862, T>G on the plus strand (A>C on the coding strand, the complement: TSC1 is on the minus strand). VCF-style: chr9-132928862-T-G. GRCh37 (hg19) VCF-style: chr9-135804249-T-G.
Other names: c.11A>C, p.Gln4Pro (NM_001162426.2, NM_001162427.2, NM_001406592.1 and 21 more transcripts); c.-249A>C (NM_001362177.2, NM_001406617.1, NM_001406619.1 and 3 more transcripts); c.-341A>C (NM_001406614.1); c.-478A>C (NM_001406615.1, NM_001406623.1); c.-445A>C (NM_001406616.1, NM_001406624.1); c.-867A>C (NM_001406626.1, NM_001406627.1, NM_001406628.1); c.-1009A>C (NM_001406629.1); c.-1083A>C (NM_001406630.1); and 1 more; short protein forms Q4P.
Identifiers: ClinVar variation 2747999 (VCV002747999.4), dbSNP rs2539146843, ClinGen allele CA375375454.
Genomic context (GRCh38, chr9:132,928,862, plus strand): 5'-TCGTCCCGCACACCCAGCATGGGGGAGTCCAGCATGGCAAGAAGCTCCCCGACATTTGCT[T>G]GTTGGGCCATTCTCTCGCTCGAAGGCGCTGTGCTGGCTCCAGGACGTGTGCTACAGGTTC-3'
Protein context (NP_000359.1, residues 1-14): MAQ[Gln4Pro]ANVGELLAML

ClinVar aggregate classification (germline): Uncertain significance. Review status: criteria provided, multiple submitters, no conflicts (2 of 4 stars). 2 submissions from 2 submitters: Uncertain significance (2). Last evaluated 2025-02-27.

Conditions:
Hereditary cancer-predisposing syndrome. Also called: Hereditary Cancer Syndrome; Tumor predisposition; Hereditary neoplastic syndrome; Neoplastic Syndromes, Hereditary. Identifiers: Orphanet 140162, MedGen C0027672, MeSH D009386, MONDO:0015356.
Tuberous sclerosis 1 (TSC1). Identifiers: Orphanet 805, MedGen C1854465, MONDO:0008612, OMIM 191100.

Submissions (2):

Labcorp Genetics (formerly Invitae), Labcorp
Classification: Uncertain significance for Tuberous sclerosis 1. Last evaluated: 2025-02-27. Review status: criteria provided, single submitter. Criteria: Invitae Variant Classification Sherloc (09022015). Collection method: clinical testing. Allele origin: germline.
Comment: This sequence change replaces glutamine, which is neutral and polar, with proline, which is neutral and non-polar, at codon 4 of the TSC1 protein (p.Gln4Pro). This variant is not present in population databases (gnomAD no frequency). This variant has not been reported in the literature in individuals affected with TSC1-related conditions. ClinVar contains an entry for this variant (Variation ID: 2747999). Invitae Evidence Modeling of protein sequence and biophysical properties (such as structural, functional, and spatial information, amino acid conservation, physicochemical variation, residue mobility, and thermodynamic stability) indicates that this missense variant is not expected to disrupt TSC1 protein function with a negative predictive value of 95%. In summary, the available evidence is currently insufficient to determine the role of this variant in disease. Therefore, it has been classified as a Variant of Uncertain Significance.

Ambry Genetics
Classification: Uncertain significance for Hereditary cancer-predisposing syndrome. Last evaluated: 2023-12-29. Review status: criteria provided, single submitter. Criteria: Ambry Variant Classification Scheme 2023. Collection method: clinical testing. Allele origin: germline.
Comment: The p.Q4P variant (also known as c.11A>C), located in coding exon 1 of the TSC1 gene, results from an A to C substitution at nucleotide position 11. The glutamine at codon 4 is replaced by proline, an amino acid with similar properties. This amino acid position is conserved. In addition, this alteration is predicted to be tolerated by in silico analysis. Since supporting evidence is limited at this time, the clinical significance of this alteration remains unclear.